The following is an entry in ClinVar:

NM_001370658.1(BTD):c.364C>A (p.Pro122Thr)

Gene: BTD (biotinidase; plus strand). Cytogenetic location: 3p25.1.
Variant type: single nucleotide variant.
Coding change: c.364C>A on transcript NM_001370658.1 (MANE Select); coding-DNA position 364, C replaced by A.
Protein change: p.Pro122Thr; replaces proline 122 with threonine.
Molecular consequence: missense variant.
Genome position (GRCh38, 1-based): chr3:15,642,022, C>A. VCF-style: chr3-15642022-C-A. GRCh37 (hg19) VCF-style: chr3-15683529-C-A.
Other names: c.424C>A, p.Pro142Thr (NM_000060.4); c.364C>A, p.Pro122Thr (NM_001281723.4, NM_001281724.3, NM_001281725.3 and 36 more transcripts); c.427C>A, p.Pro143Thr (NM_001407381.1); short protein forms P122T, P143T.
Identifiers: ClinVar variation 25004 (VCV000025004.32), dbSNP rs397514357, ClinGen allele CA278199.

ClinVar aggregate classification (germline): Conflicting classifications of pathogenicity. Review status: criteria provided, conflicting classifications (1 of 4 stars). 7 submissions from 7 submitters: Pathogenic (1); Likely pathogenic (3); Uncertain significance (1). 2 of the submissions do not count toward it. Last evaluated 2025-09-09.

Conditions:
BTD-related disorder. Also called: BTD-related condition.
Inborn genetic diseases. Identifiers: MedGen C0950123, MeSH D030342.
Biotinidase deficiency. Also called: Biotin deficiency; BTD deficiency; Late-onset biotin-responsive multiple carboxylase deficiency. Identifiers: Orphanet 79241, MedGen C0220754, MONDO:0009665, OMIM 253260.

gnomAD v4.1: 2 of 1,614,162 alleles (0.00012%); highest among the groups gnomAD compares: African/African-American, 0.0013%; no homozygotes.

Submissions (7):

Labcorp Genetics (formerly Invitae), Labcorp
Classification: Pathogenic for Biotinidase deficiency. Last evaluated: 2025-09-09. Review status: criteria provided, single submitter. Criteria: Invitae Variant Classification Sherloc (09022015). Collection method: clinical testing. Allele origin: germline.
Comment: This sequence change replaces proline, which is neutral and non-polar, with threonine, which is neutral and polar, at codon 142 of the BTD protein (p.Pro142Thr). This variant is not present in population databases (gnomAD no frequency). This missense change has been observed in individual(s) with biotinidase deficiency (PMID: 19757147, 26361991, 26589311). ClinVar contains an entry for this variant (Variation ID: 25004). Invitae Evidence Modeling of protein sequence and biophysical properties (such as structural, functional, and spatial information, amino acid conservation, physicochemical variation, residue mobility, and thermodynamic stability) indicates that this missense variant is expected to disrupt BTD protein function with a positive predictive value of 95%. For these reasons, this variant has been classified as Pathogenic.

CeGaT Center for Human Genetics Tuebingen
Classification: Likely pathogenic. Last evaluated: 2024-09-01. Review status: criteria provided, single submitter. Criteria: CeGaT Center For Human Genetics Tuebingen Variant Classification Criteria Version 2. Collection method: clinical testing. Allele origin: germline. Affected: yes. Observed: 2 variant alleles.
Comment: BTD: PM3:Strong, PM2, PS3:Supporting

Molecular Diagnostics Laboratory, M Health Fairview: University of Minnesota
Classification: Likely pathogenic for Biotinidase deficiency. Last evaluated: 2019-07-15. Review status: criteria provided, single submitter. Criteria: ACMG Guidelines, 2015. Collection method: clinical testing. Allele origin: germline. Affected: yes. Observed: 1 variant allele.

Ambry Genetics
Classification: Uncertain significance for Inborn genetic diseases. Last evaluated: 2019-03-20. Review status: criteria provided, single submitter. Criteria: Ambry Variant Classification Scheme 2023. Collection method: clinical testing. Allele origin: germline.
Comment: The alteration results in an amino acid change:_x000D_ _x000D_ The c.424C>A (p.P142T) alteration is located in coding exon 3 of the BTD gene. This alteration results from a C to A substitution at nucleotide position 424, causing the proline (P) at amino acid position 142 to be replaced by a threonine (T). The alteration is not observed in population databases:_x000D_ _x000D_ Based on data from the Genome Aggregation Database (gnomAD), the BTD c.424C>A alteration was not observed with coverage at this location. The amino acid change has been observed in affected individuals: _x000D_ _x000D_ The p.P142T alteration has been reported heterozygous with a second alteration in the BTD gene and homozygous in patients with profound biotinidase deficiency. The majority of reported patients with this alteration to date are of Somali heritage (Sarafoglou, 2009; Gannavarapu, 2015). The altered amino acid is conserved throughout evolution:_x000D_ _x000D_ The p.P142 amino acid is conserved in available vertebrate species. The alteration is predicted deleterious by in silico models:_x000D_ _x000D_ The p.P142T alteration is predicted to be probably damaging by Polyphen and deleterious by SIFT in silico analyses. Based on insufficient or conflicting evidence, the clinical significance of this alteration remains unclear.

GeneDx
Classification: Likely pathogenic. Last evaluated: 2016-11-10. Review status: criteria provided, single submitter. Criteria: GeneDx Variant Classification (06012015). Collection method: clinical testing. Allele origin: germline. Affected: yes.
Comment: The P142T pathogenic variant in the BTD gene has been reported previously in the compound heterozygous and homozygous states in individuals with biotinidase deficiency (Sarafoglou et al., 2009; Gannavarapu et al., 2015). The P142T variant is not observed in large population cohorts (Lek et al., 2016; Exome Variant Server). The P142T variant is a non-conservative amino acid substitution, which is likely to impact secondary protein structure as these residues differ in polarity, charge, size and/or other properties. This substitution occurs at a position that is conserved across species. In silico analysis predicts this variant is probably damaging to the protein structure/function. The P142T variant is a strong candidate for a pathogenic variant, however the possibility it may be a rare benign variant cannot be excluded.

PreventionGenetics, part of Exact Sciences
Classification: Pathogenic for BTD-related condition. Last evaluated: 2023-11-02. Review status: no assertion criteria provided. Collection method: clinical testing. Allele origin: germline. Not counted in ClinVar's aggregate classification.
Comment: The BTD c.424C>A variant is predicted to result in the amino acid substitution p.Pro142Thr. This variant is absent from a large population database, indicating it is rare. Furthermore, it has been reported in the homozygous or compound heterozygous state in several patients with profound biotinidase deficiency (Sarafoglou et al. 2009. PubMed ID: 19757147; Al-Jasmi et al. 2016. PubMed ID: 26589311; Gannavarapu et al. 2015. PubMed ID: 26361991; Tangeraas et al. 2020. PubMedID: 33123633). Taken together, we interpret this variant as pathogenic.

Counsyl
Classification: Likely pathogenic for Biotinidase deficiency. Last evaluated: 2017-12-28. Review status: no assertion criteria provided. Collection method: clinical testing. Allele origin: unknown. Not counted in ClinVar's aggregate classification.

Literature cited by the submitters: PubMed 19757147 (cited by 4 submitters); PubMed 26361991 (cited by 3 submitters); PubMed 26589311 (cited by Labcorp Genetics (formerly Invitae), Labcorp and Molecular Diagnostics Laboratory, M Health Fairview: University of Minnesota); PubMed 20556795 (cited by Counsyl).